The following is an entry in ClinVar:

NM_001377.3(DYNC2H1):c.12649-1G>T

Gene: DYNC2H1 (dynein cytoplasmic 2 heavy chain 1; plus strand). Cytogenetic location: 11q22.3.
Variant type: single nucleotide variant.
Coding change: c.12649-1G>T on transcript NM_001377.3 (MANE Select); the canonical splice acceptor site of the intron before coding-DNA position 12649, G replaced by T.
Molecular consequence: splice acceptor variant.
Genome position (GRCh38, 1-based): chr11:103,468,588, G>T. VCF-style: chr11-103468588-G-T. GRCh37 (hg19) VCF-style: chr11-103339316-G-T.
Other names: c.12670-1G>T (NM_001080463.2).
Identifiers: ClinVar variation 2754535 (VCV002754535.3), dbSNP rs1333438254, ClinGen allele CA382289852.

ClinVar aggregate classification (germline): Likely pathogenic (1 of 4 stars; one submission).

Conditions:
Jeune thoracic dystrophy. Also called: Jeune syndrome; Infantile thoracic dystrophy; Thoracic pelvic phalangeal dystrophy; Jeune's syndrome; Chondroectodermal dysplasia-like syndrome; Short-rib thoracic dysplasia. Identifiers: Orphanet 474, MedGen C0265275, MONDO:0018770.

Submission:

Labcorp Genetics (formerly Invitae), Labcorp
Classification: Likely pathogenic for Jeune thoracic dystrophy. Last evaluated: 2023-08-23. Review status: criteria provided, single submitter. Criteria: Invitae Variant Classification Sherloc (09022015). Collection method: clinical testing. Allele origin: germline.
Comment: This sequence change affects an acceptor splice site in intron 88 of the DYNC2H1 gene. It is expected to disrupt RNA splicing. Variants that disrupt the donor or acceptor splice site typically lead to a loss of protein function (PMID: 16199547), and loss-of-function variants in DYNC2H1 are known to be pathogenic (PMID: 23339108, 32753734, 33755199). This variant is not present in population databases (gnomAD no frequency). This variant has not been reported in the literature in individuals affected with DYNC2H1-related conditions. Algorithms developed to predict the effect of sequence changes on RNA splicing suggest that this variant may disrupt the consensus splice site. In summary, the currently available evidence indicates that the variant is pathogenic, but additional data are needed to prove that conclusively. Therefore, this variant has been classified as Likely Pathogenic.

Literature cited by the submitters: PubMed 16199547; PubMed 23339108; PubMed 32753734; PubMed 33755199.